The following is an entry in ClinVar:

NM_001177693.2(ARHGEF28):c.1024+18217C>T

Gene: ARHGEF28 (Rho guanine nucleotide exchange factor 28; plus strand). Cytogenetic location: 5q13.2.
Variant type: single nucleotide variant.
Coding change: c.1024+18217C>T on transcript NM_001177693.2 (MANE Select); 18217 bases into the intron after coding-DNA position 1024, C replaced by T.
Molecular consequence: intron variant. On other transcripts: missense variant (1).
Genome position (GRCh38, 1-based): chr5:73,813,608, C>T. VCF-style: chr5-73813608-C-T. GRCh37 (hg19) VCF-style: chr5-73109433-C-T.
Other names: c.20C>T, p.Ser7Leu (NM_001244364.2); c.1024+18217C>T (NM_001080479.3, NM_001388078.1); c.730+18217C>T (NM_001388076.1); short protein forms S7L.
Identifiers: ClinVar variation 2628882 (VCV002628882.1), dbSNP rs1258095049, ClinGen allele CA360051309.

ClinVar aggregate classification (germline): Uncertain significance (1 of 4 stars; one submission).

Conditions:
ARHGEF28-related disorder. Also called: ARHGEF28-related condition.

Allele frequency attached by ClinVar (database versions not stated): gnomAD 0.00001; gnomAD exomes 0.00001; TOPMed 0.00002.
gnomAD v4.1: 16 of 1,535,712 alleles (0.001%); highest among the groups gnomAD compares: Non-Finnish European, 0.0014%; no homozygotes.

Submission:

PreventionGenetics, part of Exact Sciences
Classification: Uncertain significance for ARHGEF28-related condition. Last evaluated: 2023-03-24. Review status: criteria provided, single submitter. Criteria: ACMG Guidelines, 2015. Collection method: clinical testing. Allele origin: germline.
Comment: The ARHGEF28 c.20C>T variant is predicted to result in the amino acid substitution p.Ser7Leu. This variant is referred to as c.1024+18217C>T (intronic) with an alternate transcript NM_001080479. To our knowledge, this variant has not been reported in the literature or in a large population database, indicating this variant is rare. At this time, the clinical significance of this variant is uncertain due to the absence of conclusive functional and genetic evidence.